The following is an entry in ClinVar:

NM_005334.3(HCFC1):c.2376C>G (p.Ile792Met)

Gene: HCFC1 (host cell factor C1; minus strand). Cytogenetic location: Xq28.
Variant type: single nucleotide variant.
Coding change: c.2376C>G on transcript NM_005334.3 (MANE Select); coding-DNA position 2376, C replaced by G.
Protein change: p.Ile792Met; replaces isoleucine 792 with methionine.
Molecular consequence: missense variant.
Genome position (GRCh38, 1-based): chrX:153,957,038, G>C on the plus strand (C>G on the coding strand, the complement: HCFC1 is on the minus strand). VCF-style: chrX-153957038-G-C. GRCh37 (hg19) VCF-style: chrX-153222489-G-C.
Other names: c.2376C>G, p.Ile792Met (NM_001410705.1); c.2376C>G (NM_005334.2); short protein forms I792M.
Identifiers: ClinVar variation 2431761 (VCV002431761.3), dbSNP rs1349763273, ClinGen allele CA415130424.

ClinVar aggregate classification (germline): Uncertain significance. Review status: criteria provided, multiple submitters, no conflicts (2 of 4 stars). 2 submissions from 2 submitters: Uncertain significance (2). Last evaluated 2024-12-17.

Conditions:
Methylmalonic acidemia with homocystinuria, type cblX (MAHCX). Also called: INTELLECTUAL DEVELOPMENTAL DISORDER, X-LINKED 3. Identifiers: Orphanet 369962, MedGen C0796208, MONDO:0010657, OMIM 309541.

Allele frequency attached by ClinVar (database versions not stated): TOPMed 0.00001; gnomAD exomes below 0.00001.
gnomAD v4.1: 5 of 1,210,022 alleles (0.00041%); highest among the groups gnomAD compares: Non-Finnish European, 0.00034%; no homozygotes.

Submissions (2):

GeneDx
Classification: Uncertain significance. Last evaluated: 2024-12-17. Review status: criteria provided, single submitter. Criteria: GeneDx Variant Classification Process June 2021. Collection method: clinical testing. Allele origin: germline. Affected: yes.
Comment: Not observed at significant frequency in large population cohorts (gnomAD); In silico analysis indicates that this missense variant does not alter protein structure/function; Has not been previously published as pathogenic or benign to our knowledge

Laboratorio de Genetica e Diagnostico Molecular, Hospital Israelita Albert Einstein
Classification: Uncertain significance for Methylmalonic acidemia with homocystinuria, type cblX. Last evaluated: 2023-01-29. Review status: criteria provided, single submitter. Criteria: ACMG Guidelines, 2015. Collection method: clinical testing. Allele origin: germline. Affected: yes.
Comment: ACMG classification criteria: PM2 moderated, PP2 supporting, BP4 supporting